The following is an entry in ClinVar:

ClinVar aggregate classification (germline): Uncertain significance (1 of 4 stars; one submission).

Allele frequency attached by ClinVar (database versions not stated): TOPMed below 0.00001; gnomAD 0.00001.
gnomAD v4.1: 3 of 1,612,530 alleles (0.00019%); highest among the groups gnomAD compares: Non-Finnish European, 0.00025%; no homozygotes.

Submission:

Labcorp Genetics (formerly Invitae), Labcorp
Classification: Uncertain significance. Last evaluated: 2023-03-23. Review status: criteria provided, single submitter. Criteria: Invitae Variant Classification Sherloc (09022015). Collection method: clinical testing. Allele origin: germline.
Comment: This sequence change replaces isoleucine, which is neutral and non-polar, with valine, which is neutral and non-polar, at codon 174 of the SERPING1 protein (p.Ile174Val). This variant is not present in population databases (gnomAD no frequency). This variant has not been reported in the literature in individuals affected with SERPING1-related conditions. Algorithms developed to predict the effect of missense changes on protein structure and function output the following: SIFT: "Not Available"; PolyPhen-2: "Benign"; Align-GVGD: "Not Available". The valine amino acid residue is found in multiple mammalian species, which suggests that this missense change does not adversely affect protein function. In summary, the available evidence is currently insufficient to determine the role of this variant in disease. Therefore, it has been classified as a Variant of Uncertain Significance.

NM_000062.3(SERPING1):c.520A>G (p.Ile174Val)

Gene: SERPING1 (serpin family G member 1; plus strand). Cytogenetic location: 11q12.1.
Variant type: single nucleotide variant.
Coding change: c.520A>G on transcript NM_000062.3 (MANE Select); coding-DNA position 520, A replaced by G.
Protein change: p.Ile174Val; replaces isoleucine 174 with valine.
Molecular consequence: missense variant.
Genome position (GRCh38, 1-based): chr11:57,600,347, A>G. VCF-style: chr11-57600347-A-G. GRCh37 (hg19) VCF-style: chr11-57367820-A-G.
Other names: c.520A>G, p.Ile174Val (NM_001032295.2); short protein forms I174V.
Identifiers: ClinVar variation 2736395 (VCV002736395.3), dbSNP rs1048211407, ClinGen allele CA223054171.